The following is an entry in ClinVar:

ClinVar aggregate classification (germline): Uncertain significance (1 of 4 stars; one submission).

gnomAD v4.1: 1 of 1,577,172 alleles (0.000063%); highest among the groups gnomAD compares: South Asian, 0.0012%; no homozygotes.

Submission:

Labcorp Genetics (formerly Invitae), Labcorp
Classification: Uncertain significance. Last evaluated: 2024-08-23. Review status: criteria provided, single submitter. Criteria: Invitae Variant Classification Sherloc (09022015). Collection method: clinical testing. Allele origin: germline.
Comment: This sequence change affects codon 2237 of the CDH23 mRNA. It is a 'silent' change, meaning that it does not change the encoded amino acid sequence of the CDH23 protein. It affects a nucleotide within the consensus splice site. This variant is not present in population databases (gnomAD no frequency). This variant has not been reported in the literature in individuals affected with CDH23-related conditions. Algorithms developed to predict the effect of sequence changes on RNA splicing suggest that this variant is not likely to affect RNA splicing. In summary, the available evidence is currently insufficient to determine the role of this variant in disease. Therefore, it has been classified as a Variant of Uncertain Significance.

NM_022124.6(CDH23):c.6711A>G (p.Thr2237=)

Gene: CDH23 (cadherin related 23; plus strand). Cytogenetic location: 10q22.1.
Variant type: single nucleotide variant.
Coding change: c.6711A>G on transcript NM_022124.6 (MANE Select); coding-DNA position 6711, A replaced by G.
Protein change: p.Thr2237=; no amino-acid change (threonine 2237 retained).
Molecular consequence: synonymous variant.
Genome position (GRCh38, 1-based): chr10:71,793,639, A>G. VCF-style: chr10-71793639-A-G. GRCh37 (hg19) VCF-style: chr10-73553396-A-G.
Identifiers: ClinVar variation 3663305 (VCV003663305.2).